The following is an entry in ClinVar:

NM_004104.5(FASN):c.5884C>T (p.Leu1962Phe)

Gene: FASN (fatty acid synthase; minus strand). Cytogenetic location: 17q25.3.
Variant type: single nucleotide variant.
Coding change: c.5884C>T on transcript NM_004104.5 (MANE Select); coding-DNA position 5884, C replaced by T.
Protein change: p.Leu1962Phe; replaces leucine 1962 with phenylalanine.
Molecular consequence: missense variant.
Genome position (GRCh38, 1-based): chr17:82,082,562, G>A on the plus strand (C>T on the coding strand, the complement: FASN is on the minus strand). VCF-style: chr17-82082562-G-A. GRCh37 (hg19) VCF-style: chr17-80040438-G-A.
Other names: short protein forms L1962F.
Identifiers: ClinVar variation 1934299 (VCV001934299.5), dbSNP rs151291316, ClinGen allele CA8851516.
Genomic context (GRCh38, chr17:82,082,562, plus strand): 5'-GGCCCCATTTGGGGCCTTCCCTCACCACGGCCAGGTTGAAGACGCCGCCCACGGGCCCAA[G>A]CTGCGCCGCCTCGGCAATGAGGCCCCGGGCCCCCTCCAGTGAGCTGATGTTGCTGGTGGA-3'
Protein context (NP_004095.4, residues 1952-1972): ARGLIAEAAQ[Leu1962Phe]GPVGGVFNLA

ClinVar aggregate classification (germline): Uncertain significance (1 of 4 stars; one submission).

Conditions:
Epileptic encephalopathy. Identifiers: MedGen C0543888, HP:0200134.

Allele frequency attached by ClinVar (database versions not stated): ExAC 0.00001; gnomAD 0.00001; TOPMed 0.00001; gnomAD exomes 0.00002; ESP Exome Variant Server 0.00008.

Submission:

Labcorp Genetics (formerly Invitae), Labcorp
Classification: Uncertain significance for Epileptic encephalopathy. Last evaluated: 2025-02-12. Review status: criteria provided, single submitter. Criteria: Invitae Variant Classification Sherloc (09022015). Collection method: clinical testing. Allele origin: germline.
Comment: This sequence change replaces leucine, which is neutral and non-polar, with phenylalanine, which is neutral and non-polar, at codon 1962 of the FASN protein (p.Leu1962Phe). This variant is present in population databases (rs151291316, gnomAD 0.002%). This variant has not been reported in the literature in individuals affected with FASN-related conditions. ClinVar contains an entry for this variant (Variation ID: 1934299). An algorithm developed to predict the effect of missense changes on protein structure and function (PolyPhen-2) suggests that this variant is likely to be disruptive. In summary, the available evidence is currently insufficient to determine the role of this variant in disease. Therefore, it has been classified as a Variant of Uncertain Significance.